The following is an entry in ClinVar:

NM_015488.5(PNKD):c.1057G>T (p.Ala353Ser)

Genes: CATIP-AS2 (CATIP antisense RNA 2; minus strand), PNKD (PNKD metallo-beta-lactamase domain containing; plus strand). Cytogenetic location: 2q35.
Variant type: single nucleotide variant.
Coding change: c.1057G>T on transcript NM_015488.5 (MANE Select); coding-DNA position 1057, G replaced by T.
Protein change: p.Ala353Ser; replaces alanine 353 with serine.
Molecular consequence: missense variant.
Genome position (GRCh38, 1-based): chr2:218,344,880, G>T. VCF-style: chr2-218344880-G-T. GRCh37 (hg19) VCF-style: chr2-219209603-G-T.
Other names: c.985G>T, p.Ala329Ser (NM_022572.5); short protein forms A329S, A353S.
Identifiers: ClinVar variation 2865979 (VCV002865979.3), dbSNP rs2469474553, ClinGen allele CA350543783.
Genomic context (GRCh38, chr2:218,344,880, plus strand): 5'-CTGGGAGAGGAGCGCTCCTACAACCCGTTCCTGAGAACCCACTGCCTGGCGCTACAGGAG[G>T]CTCTGGGGCCGGGGCCGGGCCCCACTGGGGATGATGACTACTCCCGGGCCCAGCTCCTGG-3'
Protein context (NP_056303.3, residues 343-363): LRTHCLALQE[Ala353Ser]LGPGPGPTGD

ClinVar aggregate classification (germline): Uncertain significance (1 of 4 stars; one submission).

Conditions:
Paroxysmal nonkinesigenic dyskinesia. Also called: Paroxysmal non-kinesigenic dyskinesia. Identifiers: Orphanet 98810, MedGen C1869117, MONDO:0700088.

Submission:

Labcorp Genetics (formerly Invitae), Labcorp
Classification: Uncertain significance for Paroxysmal nonkinesigenic dyskinesia. Last evaluated: 2024-11-05. Review status: criteria provided, single submitter. Criteria: Invitae Variant Classification Sherloc (09022015). Collection method: clinical testing. Allele origin: germline.
Comment: This sequence change replaces alanine, which is neutral and non-polar, with serine, which is neutral and polar, at codon 353 of the PNKD protein (p.Ala353Ser). This variant is not present in population databases (gnomAD no frequency). This variant has not been reported in the literature in individuals affected with PNKD-related conditions. ClinVar contains an entry for this variant (Variation ID: 2865979). Invitae Evidence Modeling of protein sequence and biophysical properties (such as structural, functional, and spatial information, amino acid conservation, physicochemical variation, residue mobility, and thermodynamic stability) indicates that this missense variant is not expected to disrupt PNKD protein function with a negative predictive value of 80%. In summary, the available evidence is currently insufficient to determine the role of this variant in disease. Therefore, it has been classified as a Variant of Uncertain Significance.